The following is an entry in ClinVar:

ClinVar aggregate classification (germline): Conflicting classifications of pathogenicity. Review status: criteria provided, conflicting classifications (1 of 4 stars). 3 submissions from 3 submitters: Uncertain significance (2); Likely benign (1). Last evaluated 2023-06-02.

Conditions:
Familial pancreatic carcinoma. Identifiers: Orphanet 1333, MedGen C2931038, MONDO:0015278, OMIM 260350.
Hereditary cancer-predisposing syndrome. Also called: Tumor predisposition; Hereditary neoplastic syndrome; Neoplastic Syndromes, Hereditary; Hereditary Cancer Syndrome. Identifiers: Orphanet 140162, MedGen C0027672, MeSH D009386, MONDO:0015356.
Hereditary breast ovarian cancer syndrome. Also called: Breast and ovarian cancer; BRCA1- and BRCA2-Associated Hereditary Breast and Ovarian Cancer; Hereditary breast and ovarian cancer; Hereditary breast and ovarian cancer syndrome (HBOC); Hereditary breast and/or ovarian cancer syndrome; Hereditary breast and ovarian cancer syndrome. Identifiers: Orphanet 145, MedGen C0677776, MeSH D061325, MONDO:0003582. Disease mechanism: loss of function.

gnomAD v4.1: 1 of 1,614,202 alleles (0.000062%); highest among the groups gnomAD compares: South Asian, 0.0011%; no homozygotes.

Submissions (3):

Department of Pathology and Laboratory Medicine, Sinai Health System
Classification: Uncertain significance for Familial pancreatic carcinoma. Last evaluated: 2023-06-02. Review status: criteria provided, single submitter. Criteria: ACMG Guidelines, 2015. Collection method: clinical testing. Allele origin: germline. Affected: yes.

University of Washington Department of Laboratory Medicine, University of Washington
Classification: Likely benign for Hereditary cancer-predisposing syndrome. Last evaluated: 2023-03-23. Review status: criteria provided, single submitter. Criteria: Dines et al. (Genet Med. 2020). Collection method: curation. Allele origin: germline.
Comment: Missense variant in a coldspot region where missense variants are very unlikely to be pathogenic (PMID:31911673).

BRCA1 coldspot (exon 11 using historical exon numbering). Reclassification based on statistical prior probability

Labcorp Genetics (formerly Invitae), Labcorp
Classification: Uncertain significance for Hereditary breast ovarian cancer syndrome. Last evaluated: 2019-01-27. Review status: criteria provided, single submitter. Criteria: Invitae Variant Classification Sherloc (09022015). Collection method: clinical testing. Allele origin: germline.
Comment: In summary, the available evidence is currently insufficient to determine the role of this variant in disease. Therefore, it has been classified as a Variant of Uncertain Significance. Algorithms developed to predict the effect of missense changes on protein structure and function (SIFT, PolyPhen-2, Align-GVGD) all suggest that this variant is likely to be tolerated, but these predictions have not been confirmed by published functional studies and their clinical significance is uncertain. This variant has not been reported in the literature in individuals with BRCA1-related conditions. This variant is not present in population databases (ExAC no frequency). This sequence change replaces isoleucine with lysine at codon 1275 of the BRCA1 protein (p.Ile1275Lys). The isoleucine residue is weakly conserved and there is a moderate physicochemical difference between isoleucine and lysine.

NM_007294.4(BRCA1):c.3824T>A (p.Ile1275Lys)

Genes: BRCA1 (BRCA1 DNA repair associated; minus strand), LOC126862571 (BRD4-independent group 4 enhancer GRCh37_chr17:41243136-41244335; plus strand). Cytogenetic location: 17q21.31.
Variant type: single nucleotide variant.
Coding change: c.3824T>A on transcript NM_007294.4 (MANE Select); coding-DNA position 3824, T replaced by A.
Protein change: p.Ile1275Lys; replaces isoleucine 1275 with lysine.
Molecular consequence: missense variant. On other transcripts: intron variant (135).
Genome position (GRCh38, 1-based): chr17:43,091,707, A>T on the plus strand (T>A on the coding strand, the complement: BRCA1 is on the minus strand). VCF-style: chr17-43091707-A-T. GRCh37 (hg19) VCF-style: chr17-41243724-A-T.
Other names: c.3824T>A, p.Ile1275Lys (NM_001407652.1, NM_001407581.1, NM_001407582.1 and 30 more transcripts); c.3746T>A, p.Ile1249Lys (NM_001407653.1, NM_001407654.1, NM_001407655.1 and 4 more transcripts); c.647-675T>A (NM_001408458.1, NM_001408469.1, NM_001408453.1 and 11 more transcripts); c.284-675T>A (NM_001408512.1); c.407-675T>A (NM_001408510.1); c.644-675T>A (NM_001408470.1, NM_001408464.1, NM_001408468.1 and 3 more transcripts); c.785-675T>A (NM_001408397.1, NM_001407985.1, NM_001408401.1 and 13 more transcripts); c.665-675T>A (NM_001408436.1, NM_001408444.1, NM_001408438.1 and 12 more transcripts); and 41 more; short protein forms I1275K, I1228K, I1164K, I1187K, I1205K, I1227K, I1248K, I1249K.
Identifiers: ClinVar variation 857696 (VCV000857696.14), dbSNP rs2053516476, ClinGen allele CA10594319.